The following is an entry in ClinVar:

NM_020163.3(SEMA3G):c.2305C>G (p.His769Asp)

Gene: SEMA3G (semaphorin 3G; minus strand). Cytogenetic location: 3p21.1.
Variant type: single nucleotide variant.
Coding change: c.2305C>G on transcript NM_020163.3 (MANE Select); coding-DNA position 2305, C replaced by G.
Protein change: p.His769Asp; replaces histidine 769 with aspartic acid.
Molecular consequence: missense variant.
Genome position (GRCh38, 1-based): chr3:52,435,647, G>C on the plus strand (C>G on the coding strand, the complement: SEMA3G is on the minus strand). VCF-style: chr3-52435647-G-C. GRCh37 (hg19) VCF-style: chr3-52469663-G-C.
Other names: short protein forms H769D.
Identifiers: ClinVar variation 3351724 (VCV003351724.1).

ClinVar aggregate classification (germline): Uncertain significance (0 of 4 stars; one submission).

Conditions:
SEMA3G-related disorder. Also called: SEMA3G-related condition.

Submission:

PreventionGenetics, part of Exact Sciences
Classification: Uncertain significance for SEMA3G-related condition. Last evaluated: 2024-05-17. Review status: no assertion criteria provided. Collection method: clinical testing. Allele origin: germline.
Comment: The SEMA3G c.2305C>G variant is predicted to result in the amino acid substitution p.His769Asp. To our knowledge, this variant has not been reported in the literature. This variant is reported in 0.037% of alleles in individuals of Latino descent in gnomAD. At this time, the clinical significance of this variant is uncertain due to the absence of conclusive functional and genetic evidence.